The following is an entry in ClinVar:

NM_000071.3(CBS):c.1543C>T (p.Gln515Ter)

Gene: CBS (cystathionine beta-synthase; minus strand). Cytogenetic location: 21q22.3.
Variant type: single nucleotide variant.
Coding change: c.1543C>T on transcript NM_000071.3 (MANE Select); coding-DNA position 1543, C replaced by T.
Protein change: p.Gln515Ter; replaces glutamine 515 with a stop codon.
Molecular consequence: nonsense.
Genome position (GRCh38, 1-based): chr21:43,056,812, G>A on the plus strand (C>T on the coding strand, the complement: CBS is on the minus strand). VCF-style: chr21-43056812-G-A. GRCh37 (hg19) VCF-style: chr21-44476922-G-A.
Other names: c.1543C>T, p.Gln515Ter (NM_001178008.3, NM_001178009.3, NM_001320298.2); c.1228C>T, p.Gln410Ter (NM_001321072.1); short protein forms Q515*, Q410*.
Identifiers: ClinVar variation 2183954 (VCV002183954.4), dbSNP rs1463986810, ClinGen allele CA410395566.

ClinVar aggregate classification (germline): Pathogenic (1 of 4 stars; one submission).

Conditions:
HYPERHOMOCYSTEINEMIA, THROMBOTIC, CBS-RELATED. Identifiers: MedGen C3150344, OMIM 236200.

Submission:

Labcorp Genetics (formerly Invitae), Labcorp
Classification: Pathogenic for HYPERHOMOCYSTEINEMIA, THROMBOTIC, CBS-RELATED. Last evaluated: 2022-03-05. Review status: criteria provided, single submitter. Criteria: Invitae Variant Classification Sherloc (09022015). Collection method: clinical testing. Allele origin: germline.
Comment: For these reasons, this variant has been classified as Pathogenic. This sequence change creates a premature translational stop signal (p.Gln515*) in the CBS gene. While this is not anticipated to result in nonsense mediated decay, it is expected to disrupt the last 37 amino acid(s) of the CBS protein. This variant is not present in population databases (gnomAD no frequency). This variant has not been reported in the literature in individuals affected with CBS-related conditions. This variant disrupts a region of the CBS protein in which other variant(s) (p.Lys523Serfs*18) have been determined to be pathogenic (PMID: 12815602, 21520339). This suggests that this is a clinically significant region of the protein, and that variants that disrupt it are likely to be disease-causing.

Literature cited by the submitters: PubMed 12815602; PubMed 21520339.